The following continues an entry in ClinVar:

NM_000492.4(CFTR):c.2506G>T (p.Asp836Tyr)

Gene: CFTR. ClinVar aggregate classification (germline): Conflicting classifications of pathogenicity. Uncertain significance (14); Benign (2); Likely benign (1).

Submissions 14 to 20 of 20:

Genome-Nilou Lab
Classification: Uncertain significance for Cystic fibrosis. Last evaluated: 2021-07-22. Review status: criteria provided, single submitter. Criteria: ACMG Guidelines, 2015. Collection method: clinical testing. Allele origin: germline. Affected: no.

Women's Health and Genetics/Laboratory Corporation of America, LabCorp
Classification: Benign. Last evaluated: 2020-11-23. Review status: criteria provided, single submitter. Criteria: LabCorp Variant Classification Summary - May 2015. Collection method: clinical testing. Allele origin: germline.
Comment: Variant summary: CFTR c.2506G>T (p.Asp836Tyr) results in a non-conservative amino acid change located in the CFTR regulator domain (IPR025837) of the encoded protein sequence. Five of five in-silico tools predict a damaging effect of the variant on protein function. The variant allele was found at a frequency of 0.00044 in 277324 control chromosomes (gnomAD and publications). This frequency is not significantly higher than expected for a pathogenic variant in CFTR causing Non-classic Cystic Fibrosis (0.00044 vs 0.013), allowing no conclusion about variant significance. The variant, c.2506G>T, has been reported in the literature in compound heterozygosity with deltaF508 in patients with an equivocal diagnosis of CF as evidenced by negative sweat chloride levels and pancreatic sufficiency (example, Narzi_2007, deGracia_2005) as well as in patients with pancreatically insufficient classic CF phenotype who had two other pathogenic CFTR variants that could explain the diagnosis (Salinas_2016). These data provide supportive evidence for a benign role. Furthermore, in a recent study evaluating CFTR function by short circuit current measurement in a cell system, the variant of interest was found to have 121% of WT-CFTR function (Raraigh _2018). Six clinical diagnostic laboratories have submitted clinical-significance assessments for this variant to ClinVar after 2014 without evidence for independent evaluation, at-least one of whom has set a final classification as benign while another laboratory has re-classified the variant from likely pathogenic to uncertain significance citing overlapping evidence utilized in the context of this evaluation (Benign, n=1; VUS, n=5). Furthermore, the CFTR2 database reports this variant as not causative of CF. Based on the absence of concrete evidence supporting a disease causing outcome in literature spanning over 15 years as evidence outlined above, the variant is re-classified as benign.

Laboratory for Molecular Medicine, Mass General Brigham Personalized Medicine
Classification: Uncertain significance. Last evaluated: 2018-03-06. Review status: criteria provided, single submitter. Criteria: LMM Criteria. Collection method: clinical testing. Allele origin: germline. Observed: 1 variant allele.
Comment: The p.Asp836Tyr variant in CFTR has been reported in 2 individuals with cystic f ibrosis; however it was unclear if a second CFTR variant was found in these indi viduals (des Georges 2004, Schrijver 2005). It was also identified in the compou nd heterozygous state in 4 individuals who had at least one additional pathogeni c variant in CFTR (de Gracia 2005, Narzi 2007, Salinas 2016). In two of these in dividuals, two other pathogenic variants in CFTR were also identified, suggestin g that the p.Asp836Tyr variant may not be the primary cause of disease (Salinas 2016). This variant has also been reported by other clinical laboratories in Cli nVar (Variation ID# 53505) and has been identified in 0.17% (60/34400) of Latino chromosomes by the Genome Aggregation Database (gnomAD; dbSNP rs201386642). Although this variant has been seen in the genera l population, its frequency is not high enough to rule out a pathogenic role. Co mputational prediction tools and conservation analysis do not provide strong sup port for or against an impact to the protein. In summary, due to conflicting evi dence, the clinical significance of the p.Asp836Tyr variant is uncertain. ACMG/A MP Criteria applied: PM3_Strong, BP2.

Eurofins Ntd Llc (ga)
Classification: Uncertain significance. Last evaluated: 2017-10-19. Review status: criteria provided, single submitter. Criteria: EGL Classification Definitions 2015. Collection method: clinical testing. Allele origin: germline. Observed: 5 variant alleles, 5 heterozygotes.

PreventionGenetics, part of Exact Sciences
Classification: Uncertain significance for CFTR-related condition. Last evaluated: 2024-09-05. Review status: no assertion criteria provided. Collection method: clinical testing. Allele origin: germline. Not counted in ClinVar's aggregate classification.
Comment: The CFTR c.2506G>T variant is predicted to result in the amino acid substitution p.Asp836Tyr. This variant has been reported on the opposite allele (in trans) with p.Phe508del in at least 2 individuals with a negative sweat test (de Gracia et al. 2005. PubMed ID: 15994263; Narzi et al. 2007. PubMed ID: 17594398). This variant has also been reported in an affected individual that carried two additional CFTR pathogenic variants (Salinas et al. 2016. PubMed ID: 27214204) and in a cohort of patients with cystic fibrosis, but no additional studies were performed to help assess its pathogenicity (des Georges et al 2004. PubMed ID: 15698946). In vitro studies in human cell lines suggest that this variant does not impact CFTR protein function (Raraigh et al. 2018. PubMed ID: 29805046). This variant is reported in 0.18% of alleles in individuals of Latino descent in gnomAD and has conflicting interpretations in ClinVar of benign and uncertain significance. At this time, the clinical significance of this variant is uncertain due to the absence of conclusive functional and genetic evidence.

Counsyl
Classification: Uncertain significance for Cystic fibrosis. Last evaluated: 2017-10-18. Review status: no assertion criteria provided. Collection method: clinical testing. Allele origin: unknown. Not counted in ClinVar's aggregate classification.

Center for Pediatric Genomic Medicine, Children's Mercy Hospital and Clinics
Classification: Likely pathogenic. Last evaluated: 2014-11-13. Review status: flagged submission. Criteria: ACMG Guidelines, 2015. Collection method: clinical testing. Allele origin: germline. Not counted in ClinVar's aggregate classification.
ClinVar note: Reason: Outlier claim with insufficient supporting evidence

Literature cited by the submitters: PubMed 10923036 (cited by 3 submitters); PubMed 15698946 (cited by 6 submitters); PubMed 15858154 (cited by 6 submitters); PubMed 15994263 (cited by 5 submitters); PubMed 17594398 (cited by 3 submitters); PubMed 20952391 (cited by Ambry Genetics and Quest Diagnostics Nichols Institute San Juan Capistrano); PubMed 27214204 (cited by 3 submitters); PubMed 29805046 (cited by 4 submitters); PubMed 34860163 (cited by Dasa and Quest Diagnostics Nichols Institute San Juan Capistrano); PubMed 36409994 (cited by Dasa and Quest Diagnostics Nichols Institute San Juan Capistrano); PubMed 38388235 (cited by Dasa and Quest Diagnostics Nichols Institute San Juan Capistrano); PubMed 35527187 (cited by Dasa and Quest Diagnostics Nichols Institute San Juan Capistrano); PubMed 34405919 (cited by Quest Diagnostics Nichols Institute San Juan Capistrano); PubMed 34086689 (cited by Quest Diagnostics Nichols Institute San Juan Capistrano); PubMed 25087612 (cited by Quest Diagnostics Nichols Institute San Juan Capistrano); PubMed 7543317 (cited by Women's Health and Genetics/Laboratory Corporation of America, LabCorp); PubMed 16128988 (cited by Women's Health and Genetics/Laboratory Corporation of America, LabCorp); PubMed 12116247 (cited by Women's Health and Genetics/Laboratory Corporation of America, LabCorp); PubMed 11950844 (cited by Women's Health and Genetics/Laboratory Corporation of America, LabCorp); PubMed 11390899 (cited by Women's Health and Genetics/Laboratory Corporation of America, LabCorp); PubMed 26847993 (cited by Women's Health and Genetics/Laboratory Corporation of America, LabCorp).